The following is an entry in ClinVar:

ClinVar aggregate classification (germline): Likely pathogenic (1 of 4 stars; one submission).

Conditions:
Hereditary hyperinsulinism.

Submission:

Natera, Inc.
Classification: Likely pathogenic for Hereditary hyperinsulinism. Last evaluated: 2025-03-17. Review status: criteria provided, single submitter. Criteria: Natera Variant Classification Schema (03/2026). Collection method: clinical testing. Allele origin: germline.
Comment: The c.2409del variant in ABCC8 is a frameshift variant predicted to shift the reading frame beginning at codon 804 and leads to a stop codon 60 codons downstream. This variant is expected to result in nonsense mediated decay, truncation, or a dysfunctional protein product. This variant is rare in the general population with a frequency below the threshold expected for the associated phenotype(s). Given the available evidence, this variant is classified as Likely Pathogenic.

NM_000352.6(ABCC8):c.2409del (p.Ala804fs)

Genes: ABCC8 (ATP binding cassette subfamily C member 8; minus strand), LOC110121471 (VISTA enhancer hs1977; plus strand). Cytogenetic location: 11p15.1.
Variant type: Deletion.
Coding change: c.2409del on transcript NM_000352.6 (MANE Select); coding-DNA position 2409, one base deleted (A; older notation c.2409delA).
Protein change: p.Ala804fs; shifts the reading frame from alanine 804.
Molecular consequence: frameshift variant. On other transcripts: non-coding transcript variant (1).
Genome position (GRCh38, 1-based): chr11:17,413,460, T deleted on the plus strand (A on the coding strand, the reverse complement: ABCC8 is on the minus strand); the first of 2 consecutive T bases (chr11:17,413,460-17,413,461); deleting either gives the same sequence. VCF-style (leftmost placement, unchanged base first): chr11-17413459-CT-C. GRCh37 (hg19) VCF-style: chr11-17435006-CT-C.
Other names: c.2475del, p.Ala826fs (NM_001351295.2); c.2409del, p.Ala804fs (NM_001351296.2); c.2406del, p.Ala803fs (NM_001351297.2); c.2412del, p.Ala805fs (NM_001287174.3); short protein forms A803fs, A804fs, A805fs, A826fs.
Identifiers: ClinVar variation 4061758 (VCV004061758.2).
Genomic context (GRCh38, chr11:17,413,459, plus strand): 5'-CCCCAATCTGGGTCTGGTCTCCATGGGGCAGGATGTCGATGTCTGGCTGCAGAGAGCAGG[CT>C]TCAATGACCATCTTGTACCTGGCGTGGGTAGAGGCAGGGGATGCAGCTGGTCAGCCTGGT-3'